The following is an entry in ClinVar:

ClinVar aggregate classification (germline): Uncertain significance (1 of 4 stars; one submission).

Conditions:
Inborn genetic diseases. Identifiers: MedGen C0950123, MeSH D030342.

Submission:

Ambry Genetics
Classification: Uncertain significance for Inborn genetic diseases. Last evaluated: 2025-05-10. Review status: criteria provided, single submitter. Criteria: Ambry Variant Classification Scheme 2023. Collection method: clinical testing. Allele origin: germline.
Comment: The p.D550G variant (also known as c.1649A>G), located in coding exon 11 of the ERCC6L2 gene, results from an A to G substitution at nucleotide position 1649. The aspartic acid at codon 550 is replaced by glycine, an amino acid with similar properties. This amino acid position is conserved. In addition, this alteration is predicted to be deleterious by in silico analysis. Based on the available evidence, the clinical significance of this variant remains unclear.

NM_020207.7(ERCC6L2):c.1649A>G (p.Asp550Gly)

Gene: ERCC6L2 (ERCC excision repair 6 like 2; plus strand). Cytogenetic location: 9q22.32.
Variant type: single nucleotide variant.
Coding change: c.1649A>G on transcript NM_020207.7 (MANE Select); coding-DNA position 1649, A replaced by G.
Protein change: p.Asp550Gly; replaces aspartic acid 550 with glycine.
Molecular consequence: missense variant. On other transcripts: non-coding transcript variant (1).
Genome position (GRCh38, 1-based): chr9:95,928,762, A>G. VCF-style: chr9-95928762-A-G. GRCh37 (hg19) VCF-style: chr9-98691044-A-G.
Other names: c.1649A>G, p.Asp550Gly (NM_001010895.4, NM_001375291.1, NM_001375292.1 and 2 more transcripts); short protein forms D550G.
Identifiers: ClinVar variation 4019350 (VCV004019350.1).